The following is an entry in ClinVar:

NM_021102.4(SPINT2):c.142C>T (p.Arg48Trp)

Gene: SPINT2 (serine peptidase inhibitor, Kunitz type 2; plus strand). Cytogenetic location: 19q13.2.
Variant type: single nucleotide variant.
Coding change: c.142C>T on transcript NM_021102.4 (MANE Select); coding-DNA position 142, C replaced by T.
Protein change: p.Arg48Trp; replaces arginine 48 with tryptophan.
Molecular consequence: missense variant. On other transcripts: intron variant (1).
Genome position (GRCh38, 1-based): chr19:38,283,662, C>T. VCF-style: chr19-38283662-C-T. GRCh37 (hg19) VCF-style: chr19-38774302-C-T.
Other names: c.107-4214C>T (NM_001166103.2); short protein forms R48W.
Identifiers: ClinVar variation 1978000 (VCV001978000.2), dbSNP rs11548458, ClinGen allele CA9411331.

ClinVar aggregate classification (germline): Uncertain significance (1 of 4 stars; one submission).

Allele frequency attached by ClinVar (database versions not stated): gnomAD 0.00002; TOPMed 0.00002; ExAC 0.00003.

Submission:

Labcorp Genetics (formerly Invitae), Labcorp
Classification: Uncertain significance. Last evaluated: 2022-06-15. Review status: criteria provided, single submitter. Criteria: Invitae Variant Classification Sherloc (09022015). Collection method: clinical testing. Allele origin: germline.
Comment: This sequence change replaces arginine, which is basic and polar, with tryptophan, which is neutral and slightly polar, at codon 48 of the SPINT2 protein (p.Arg48Trp). This variant is present in population databases (rs11548458, gnomAD 0.004%). This variant has not been reported in the literature in individuals affected with SPINT2-related conditions. Algorithms developed to predict the effect of missense changes on protein structure and function (SIFT, PolyPhen-2, Align-GVGD) all suggest that this variant is likely to be disruptive. In summary, the available evidence is currently insufficient to determine the role of this variant in disease. Therefore, it has been classified as a Variant of Uncertain Significance.